The following is an entry in ClinVar:

NM_002087.4(GRN):c.232dup (p.Ser78fs)

Gene: GRN (granulin precursor; plus strand). Cytogenetic location: 17q21.31.
Variant type: Duplication.
Coding change: c.232dup on transcript NM_002087.4 (MANE Select); coding-DNA position 232, one base duplicated (T; older notation c.232dupT).
Protein change: p.Ser78fs; shifts the reading frame from serine 78.
Molecular consequence: frameshift variant.
Genome position (GRCh38, 1-based): chr17:44,349,519, T duplicated. VCF-style (leftmost placement, unchanged base first): chr17-44349518-C-CT. GRCh37 (hg19) VCF-style: chr17-42426886-C-CT.
Other names: c.232dupT (NM_002087.3); short protein forms S78fs.
Identifiers: ClinVar variation 599618 (VCV000599618.3), dbSNP rs1567885658, ClinGen allele CA913191161.
Genomic context (GRCh38, chr17:44,349,518, plus strand): 5'-GGGTGGCCCCTGCCAGGTTGATGCCCACTGCTCTGCCGGCCACTCCTGCATCTTTACCGT[C>CT]TCAGGGACTTCCAGTTGCTGCCCCTTCCCAGAGGTGAGCGTGCCATCAGCCCAGTGGAGG-3'

ClinVar aggregate classification (germline): Pathogenic. Review status: criteria provided, single submitter (1 of 4 stars). 2 submissions from 2 submitters: Pathogenic (1). 1 of the submissions does not count toward it. Last evaluated 2017-02-01.

Conditions:
Frontotemporal dementia (FTD1). Also called: Frontotemporal lobe dementia (FLDEM); WILHELMSEN-LYNCH DISEASE; Frontotemporal Dementia with Parkinsonism-17 (FTDP-17); FRONTOTEMPORAL DEMENTIA WITH PARKINSONISM; FRONTOTEMPORAL LOBE DEMENTIA; MULTIPLE SYSTEM TAUOPATHY WITH PRESENILE DEMENTIA. Identifiers: Orphanet 282, MedGen C0338451, MONDO:0017276, OMIM 600274, HP:0002145.
GRN-related disorder. Also called: GRN-related condition; GRN-related disorders.

Allele frequency attached by ClinVar (database versions not stated): gnomAD exomes below 0.00001.

Submissions (2):

Human Genetics Group at Institute of Prion Diseases London, University College London
Classification: Pathogenic for Frontotemporal dementia. Last evaluated: 2017-02-01. Review status: criteria provided, single submitter. Criteria: Koriath et al. 2018. Collection method: research. Allele origin: unknown. Affected: yes. Observed: 3 variant alleles.
Comment: not on exac, causes a premature stop codon. frameshift mutations in GRN reported pathogenic, pathogenic frameshift mutation on molgen in the adjacent codon

Confirmed by Sanger sequencing

PreventionGenetics, part of Exact Sciences
Classification: Likely pathogenic for GRN-related condition. Last evaluated: 2024-01-26. Review status: no assertion criteria provided. Collection method: clinical testing. Allele origin: germline. Not counted in ClinVar's aggregate classification.
Comment: The GRN c.232dupT variant is predicted to result in a frameshift and premature protein termination (p.Ser78Phefs*41). This variant was observed three times in a cohort study of clinically diagnosed individuals with dementia (Table S4, Koriath et al. 2020. PubMed ID: 30279455). This variant has not been reported in a large population database, indicating this variant is rare. Frameshift variants in GRN are expected to be pathogenic. Multiple protein-truncating variants upstream and downstream of this variant have been reported to be pathogenic (HGMD, ClinVar). This variant is interpreted as likely pathogenic.